The following is an entry in ClinVar:

ClinVar aggregate classification (germline): Uncertain significance (1 of 4 stars; one submission).

Allele frequency attached by ClinVar (database versions not stated): gnomAD exomes below 0.00001.
gnomAD v4.1: 1 of 1,613,870 alleles (0.000062%); highest among the groups gnomAD compares: Non-Finnish European, 0.000085%; no homozygotes.

Submission:

GeneDx
Classification: Uncertain significance. Last evaluated: 2019-09-18. Review status: criteria provided, single submitter. Criteria: GeneDx Variant Classification Process June 2021. Collection method: clinical testing. Allele origin: germline. Affected: yes.
Comment: Not observed in large population cohorts (Lek et al., 2016); The majority of missense variants in this gene are considered pathogenic (Stenson et al., 2014); In silico analysis, which includes protein predictors and evolutionary conservation, supports that this variant does not alter protein structure/function; Has not been previously published as pathogenic or benign to our knowledge; This substitution is predicted to be within the C-terminal cytoplasmic domain

NM_001165963.4(SCN1A):c.5635A>G (p.Ser1879Gly)

Genes: SCN1A (sodium voltage-gated channel alpha subunit 1; minus strand), LOC102724058 (uncharacterized LOC102724058; plus strand). Cytogenetic location: 2q24.3.
Variant type: single nucleotide variant.
Coding change: c.5635A>G on transcript NM_001165963.4 (MANE Select); coding-DNA position 5635, A replaced by G.
Protein change: p.Ser1879Gly; replaces serine 1879 with glycine.
Molecular consequence: missense variant. On other transcripts: non-coding transcript variant (1).
Genome position (GRCh38, 1-based): chr2:165,991,640, T>C on the plus strand (A>G on the coding strand, the complement: SCN1A is on the minus strand). VCF-style: chr2-165991640-T-C. GRCh37 (hg19) VCF-style: chr2-166848150-T-C.
Other names: c.5551A>G, p.Ser1851Gly (NM_001165964.3, NM_001353957.2, NM_001353958.2); c.5635A>G, p.Ser1879Gly (NM_001202435.3, NM_001353948.2); c.5602A>G, p.Ser1868Gly (NM_001353949.2, NM_001353950.2, NM_001353951.2 and 2 more transcripts); c.5599A>G, p.Ser1867Gly (NM_001353954.2, NM_001353955.2); c.5548A>G, p.Ser1850Gly (NM_001353960.2); c.3193A>G, p.Ser1065Gly (NM_001353961.2); short protein forms S1065G, S1850G, S1851G, S1867G, S1868G, S1879G.
Identifiers: ClinVar variation 1312322 (VCV001312322.2), dbSNP rs2105425108, ClinGen allele CA349065066.
Genomic context (GRCh38, chr2:165,991,640, plus strand): 5'-AAGGATTGGAAGCCATGAATCGCTCTTCCATCTGTATTCGTAGAGCATCCATCTCTCCAC[T>C]CTCTCCTAGAACCCGCTTTGTAAAAGCAAATAAGATATCAAGACAGTGGATCCGGTCACC-3'
Protein context (NP_001159435.1, residues 1869-1889): FAFTKRVLGE[Ser1879Gly]GEMDALRIQM